The following is an entry in ClinVar:

NM_020745.4(AARS2):c.1649G>C (p.Gly550Ala)

Gene: AARS2 (alanyl-tRNA synthetase 2, mitochondrial; minus strand). Cytogenetic location: 6p21.1.
Variant type: single nucleotide variant.
Coding change: c.1649G>C on transcript NM_020745.4 (MANE Select); coding-DNA position 1649, G replaced by C.
Protein change: p.Gly550Ala; replaces glycine 550 with alanine.
Molecular consequence: missense variant.
Genome position (GRCh38, 1-based): chr6:44,304,748, C>G on the plus strand (G>C on the coding strand, the complement: AARS2 is on the minus strand). VCF-style: chr6-44304748-C-G. GRCh37 (hg19) VCF-style: chr6-44272485-C-G.
Other names: short protein forms G550A.
Identifiers: ClinVar variation 213956 (VCV000213956.53), dbSNP rs79962181, ClinGen allele CA322874.

ClinVar aggregate classification (germline): Likely benign. Review status: criteria provided, multiple submitters, no conflicts (2 of 4 stars). 4 submissions from 4 submitters: Likely benign (4). Last evaluated 2026-02-01.

Conditions:
Inborn genetic diseases. Identifiers: MedGen C0950123, MeSH D030342.

Allele frequency attached by ClinVar (database versions not stated): 1000 Genomes Project 30x 0.00031; 1000 Genomes Project 0.00040; gnomAD exomes 0.00072 and 0.00133; ExAC 0.00079; TOPMed 0.00082; gnomAD 0.00087; ESP Exome Variant Server 0.00154.

Submissions (4):

Labcorp Genetics (formerly Invitae), Labcorp
Classification: Likely benign. Last evaluated: 2026-02-01. Review status: criteria provided, single submitter. Criteria: Invitae Variant Classification Sherloc (09022015). Collection method: clinical testing. Allele origin: germline.

CeGaT Center for Human Genetics Tuebingen
Classification: Likely benign. Last evaluated: 2025-09-01. Review status: criteria provided, single submitter. Criteria: CeGaT Center For Human Genetics Tuebingen Variant Classification Criteria Version 2. Collection method: clinical testing. Allele origin: germline. Affected: yes. Observed: 3 variant alleles.
Comment: AARS2: BS1

Blueprint Genetics
Classification: Likely benign. Last evaluated: 2024-10-22. Review status: criteria provided, single submitter. Criteria: ACMG Guidelines, 2015. Collection method: clinical testing. Allele origin: germline.

Ambry Genetics
Classification: Likely benign for Inborn genetic diseases. Last evaluated: 2021-08-13. Review status: criteria provided, single submitter. Criteria: Ambry Variant Classification Scheme 2023. Collection method: clinical testing. Allele origin: germline.